The following is an entry in ClinVar:

NM_006031.6(PCNT):c.5319C>T (p.Ser1773=)

Gene: PCNT (pericentrin; plus strand). Cytogenetic location: 21q22.3.
Variant type: single nucleotide variant.
Coding change: c.5319C>T on transcript NM_006031.6 (MANE Select); coding-DNA position 5319, C replaced by T.
Protein change: p.Ser1773=; no amino-acid change (serine 1773 retained).
Molecular consequence: synonymous variant.
Genome position (GRCh38, 1-based): chr21:46,411,392, C>T. VCF-style: chr21-46411392-C-T. GRCh37 (hg19) VCF-style: chr21-47831306-C-T.
Other names: c.4965C>T, p.Ser1655= (NM_001315529.2); c.5319C>T (NM_006031.5).
Identifiers: ClinVar variation 2719284 (VCV002719284.5), dbSNP rs187682060, ClinGen allele CA10079941.

ClinVar aggregate classification (germline): Likely benign. Review status: criteria provided, multiple submitters, no conflicts (2 of 4 stars). 3 submissions from 3 submitters: Likely benign (3). Last evaluated 2026-09-17.

Conditions:
PCNT-related disorder. Also called: PCNT-related condition.

Allele frequency attached by ClinVar (database versions not stated): TOPMed 0.00002; ExAC 0.00004; gnomAD 0.00013.
gnomAD v4.1: 67 of 1,613,698 alleles (0.0042%); highest among the groups gnomAD compares: East Asian, 0.0022%; no homozygotes.

Submissions (3):

PreventionGenetics, part of Exact Sciences
Classification: Likely benign for PCNT-related condition. Last evaluated: 2026-09-17. Review status: criteria provided, single submitter. Criteria: ACMG Guidelines, 2015. Collection method: clinical testing. Allele origin: germline.
Comment: This variant is classified as likely benign based on ACMG/AMP sequence variant interpretation guidelines (Richards et al. 2015 PMID: 25741868, with internal and published modifications).

Blueprint Genetics
Classification: Likely benign. Last evaluated: 2024-02-20. Review status: criteria provided, single submitter. Criteria: ACMG Guidelines, 2015. Collection method: clinical testing. Allele origin: germline.

Labcorp Genetics (formerly Invitae), Labcorp
Classification: Likely benign. Last evaluated: 2024-02-03. Review status: criteria provided, single submitter. Criteria: Invitae Variant Classification Sherloc (09022015). Collection method: clinical testing. Allele origin: germline.